The following is an entry in ClinVar:

ClinVar aggregate classification (germline): Pathogenic/Likely pathogenic. Review status: criteria provided, multiple submitters, no conflicts (2 of 4 stars). 6 submissions from 6 submitters: Pathogenic (4); Likely pathogenic (2). Last evaluated 2025-12-22.

Conditions:
TGFB2-related disorder. Also called: TGFB2-related condition.
Loeys-Dietz syndrome 4 (LDS4). Also called: TGFB2-Related Loeys-Dietz Syndrome; ANEURYSM, AORTIC AND CEREBRAL, WITH ARTERIAL TORTUOSITY AND SKELETAL MANIFESTATIONS. Identifiers: MedGen C3553762, MONDO:0013897, OMIM 614816.
Familial thoracic aortic aneurysm and aortic dissection (TAAD). Also called: Thoracic aortic aneurysms and dissections. Identifiers: Orphanet 91387, MedGen C4707243, MONDO:0019625.

Submissions (6):

Labcorp Genetics (formerly Invitae), Labcorp
Classification: Pathogenic for Loeys-Dietz syndrome 4. Last evaluated: 2025-12-22. Review status: criteria provided, single submitter. Criteria: Invitae Variant Classification Sherloc (09022015). Collection method: clinical testing. Allele origin: germline.
Comment: This sequence change replaces arginine, which is basic and polar, with histidine, which is basic and polar, at codon 302 of the TGFB2 protein (p.Arg302His). This variant is not present in population databases (gnomAD no frequency). This missense change has been observed in individuals with TGFB2-related conditions (PMID: 29907982, 31915033). It has also been observed to segregate with disease in related individuals. This variant is also known as p.Arg330His. ClinVar contains an entry for this variant (Variation ID: 440982). Invitae Evidence Modeling of protein sequence and biophysical properties (such as structural, functional, and spatial information, amino acid conservation, physicochemical variation, residue mobility, and thermodynamic stability) indicates that this missense variant is not expected to disrupt TGFB2 protein function with a negative predictive value of 80%. This variant disrupts the p.Arg302 amino acid residue in TGFB2. Other variant(s) that disrupt this residue have been determined to be pathogenic (PMID: 22772368, 25644172). This suggests that this residue is clinically significant, and that variants that disrupt this residue are likely to be disease-causing. For these reasons, this variant has been classified as Pathogenic.

GeneDx
Classification: Likely pathogenic. Last evaluated: 2025-12-09. Review status: criteria provided, single submitter. Criteria: GeneDx Variant Classification Process June 2021. Collection method: clinical testing. Allele origin: germline. Affected: yes.
Comment: In silico analysis supports that this missense variant has a deleterious effect on protein structure/function; Not observed at significant frequency in large population cohorts (gnomAD); This variant is associated with the following publications: (PMID: 32307099, 31915033, 29392890, 34916229, 37813462, 29907982)

Ambry Genetics
Classification: Pathogenic for Familial thoracic aortic aneurysm and aortic dissection. Last evaluated: 2025-05-21. Review status: criteria provided, single submitter. Criteria: Ambry Variant Classification Scheme 2023. Collection method: clinical testing. Allele origin: germline.
Comment: The p.R302H pathogenic mutation (also known as c.905G>A), located in coding exon 5 of the TGFB2 gene, results from a G to A substitution at nucleotide position 905. The arginine at codon 302 is replaced by histidine, an amino acid with highly similar properties. This arginine residue lies in a putative furin cleavage site where precursor TGF&beta;2 may be cleaved into latency-associated peptide and mature TGF&beta;2; however, experimental evidence of a cleavage impact is unavailable (Marquardt H et al. J. Biol. Chem., 1987 Sep;262:12127-31). This variant was identified in one or more individuals with features consistent with TGFB2-related Loeys-Dietz syndrome, segregated with disease in at least one family, and in at least one individual, it was determined to be de novo (Overwater E et al. Hum Mutat, 2018 Sep;39:1173-1192; Eghrari AO et al. Can J Ophthalmol, 2020 08;55:336-341; Yang H et al. Orphanet J Rare Dis, 2020 Jan;15:6; Prablek MA et al. Surg Neurol Int, 2022 Mar;13:96; Ambry internal data; external communication). This variant is considered to be rare based on population cohorts in the Genome Aggregation Database (gnomAD). This amino acid position is highly conserved in available vertebrate species. In addition, this alteration is predicted to be deleterious by in silico analysis. Based on the supporting evidence, this variant is interpreted as a disease-causing mutation.

Blueprint Genetics
Classification: Pathogenic for TGFB2-related disorders. Last evaluated: 2024-09-24. Review status: criteria provided, single submitter. Criteria: ACMG Guidelines, 2015. Collection method: clinical testing. Allele origin: germline. Affected: yes. Observed: 5 variant alleles.

Laboratory of Medical Genetics, National & Kapodistrian University of Athens
Classification: Pathogenic for Loeys-Dietz syndrome 4. Last evaluated: 2023-05-25. Review status: criteria provided, single submitter. Criteria: ACMG Guidelines, 2015. Collection method: clinical testing. Allele origin: germline. Affected: yes.
Comment: PM1, PM2, PM5, PP3, PP5

3billion
Classification: Likely pathogenic for Loeys-Dietz syndrome 4. Last evaluated: 2023-02-23. Review status: criteria provided, single submitter. Criteria: ACMG Guidelines, 2015. Collection method: clinical testing. Allele origin: unknown. Affected: yes.
Comment: The variant is not observed in the gnomAD v2.1.1 dataset. Protein truncation variants are a common disease-causing mechanism. In silico tool predictions suggest damaging effect of the variant on gene or gene product (REVEL: 0.59; 3Cnet: 0.84). Same nucleotide change resulting in same amino acid change has been previously reported as pathogenic/likely pathogenic with strong evidence (ClinVar ID: VCV000440982). Different missense changes at the same codon (p.Arg302Cys, p.Arg302Ser) have been reported as pathogenic/likely pathogenic with strong evidence (ClinVar ID: VCV000224872, VCV000239515). Therefore, this variant is classified as Likely pathogenic according to the recommendation of ACMG/AMP guideline.

Literature cited by the submitters: PubMed 29907982 (cited by Labcorp Genetics (formerly Invitae), Labcorp and Ambry Genetics); PubMed 31915033 (cited by Labcorp Genetics (formerly Invitae), Labcorp and Ambry Genetics); PubMed 22772368 (cited by Labcorp Genetics (formerly Invitae), Labcorp and Ambry Genetics); PubMed 25644172 (cited by Labcorp Genetics (formerly Invitae), Labcorp and Ambry Genetics); PubMed 24577266 (cited by Ambry Genetics); PubMed 32307099 (cited by Ambry Genetics); PubMed 3476488 (cited by Ambry Genetics); PubMed 35399906 (cited by Ambry Genetics).

NM_003238.6(TGFB2):c.905G>A (p.Arg302His)

Gene: TGFB2 (transforming growth factor beta 2; plus strand). Cytogenetic location: 1q41.
Variant type: single nucleotide variant.
Coding change: c.905G>A on transcript NM_003238.6 (MANE Select); coding-DNA position 905, G replaced by A.
Protein change: p.Arg302His; replaces arginine 302 with histidine.
Molecular consequence: missense variant. On other transcripts: non-coding transcript variant (2).
Genome position (GRCh38, 1-based): chr1:218,436,120, G>A. VCF-style: chr1-218436120-G-A. GRCh37 (hg19) VCF-style: chr1-218609462-G-A.
Other names: c.989G>A, p.Arg330His (NM_001135599.4); short protein forms R302H, R330H.
Identifiers: ClinVar variation 440982 (VCV000440982.24), dbSNP rs1553303213, ClinGen allele CA344727314.